The following is an entry in ClinVar:

NM_020987.5(ANK3):c.8944C>G (p.Gln2982Glu)

Gene: ANK3 (ankyrin 3; minus strand). Cytogenetic location: 10q21.2.
Variant type: single nucleotide variant.
Coding change: c.8944C>G on transcript NM_020987.5 (MANE Select); coding-DNA position 8944, C replaced by G.
Protein change: p.Gln2982Glu; replaces glutamine 2982 with glutamic acid.
Molecular consequence: missense variant. On other transcripts: intron variant (4).
Genome position (GRCh38, 1-based): chr10:60,071,937, G>C on the plus strand (C>G on the coding strand, the complement: ANK3 is on the minus strand). VCF-style: chr10-60071937-G-C. GRCh37 (hg19) VCF-style: chr10-61831695-G-C.
Other names: c.4388-3928C>G (NM_001204403.2); c.4409-3928C>G (NM_001204404.2); c.4406-3928C>G (NM_001320874.2); c.1808-3928C>G (NM_001149.4); short protein forms Q2982E.
Identifiers: ClinVar variation 1961206 (VCV001961206.5), dbSNP rs1472479657, ClinGen allele CA377004554.
Genomic context (GRCh38, chr10:60,071,937, plus strand): 5'-CTTTACTCATGCTTGACTGGGACAATTTTTGTGATAGTTCATGTTTTGGAAATGCCGACT[G>C]TTCACAAAAACCATCGGGAATATTAGAAGACAGCATTCTCCTCTCATCAGCAACTCTGAC-3'
Protein context (NP_066267.2, residues 2972-2992): SSNIPDGFCE[Gln2982Glu]SAFPKHELSQ

ClinVar aggregate classification (germline): Uncertain significance (1 of 4 stars; one submission).

Allele frequency attached by ClinVar (database versions not stated): gnomAD exomes below 0.00001; TOPMed below 0.00001.
gnomAD v4.1: 1 of 1,614,036 alleles (0.000062%); highest among the groups gnomAD compares: Non-Finnish European, 0.000085%; no homozygotes.

Submission:

Labcorp Genetics (formerly Invitae), Labcorp
Classification: Uncertain significance. Last evaluated: 2025-01-27. Review status: criteria provided, single submitter. Criteria: Invitae Variant Classification Sherloc (09022015). Collection method: clinical testing. Allele origin: germline.
Comment: This sequence change replaces glutamine, which is neutral and polar, with glutamic acid, which is acidic and polar, at codon 2982 of the ANK3 protein (p.Gln2982Glu). This variant is not present in population databases (gnomAD no frequency). This variant has not been reported in the literature in individuals affected with ANK3-related conditions. ClinVar contains an entry for this variant (Variation ID: 1961206). An algorithm developed to predict the effect of missense changes on protein structure and function (PolyPhen-2) suggests that this variant is likely to be tolerated. In summary, the available evidence is currently insufficient to determine the role of this variant in disease. Therefore, it has been classified as a Variant of Uncertain Significance.